The following is an entry in ClinVar:

ClinVar aggregate classification (germline): Uncertain significance (1 of 4 stars; one submission).

Conditions:
Ehlers-Danlos syndrome, classic type, 2 (EDSCL2). Also called: Ehlers-Danlos syndrome, type 2; Ehlers-Danlos syndrome type 2 (formerly); Ehlers-Danlos Syndrome, Classic Type, COL5A2-Related. Identifiers: Orphanet 287, Orphanet 90318, MedGen C0268336, MONDO:0019568, OMIM 130010.

Allele frequency attached by ClinVar (database versions not stated): TOPMed below 0.00001.

Submission:

Gemeinschaftspraxis fuer Humangenetik Dresden
Classification: Uncertain significance for Ehlers-Danlos syndrome, classic type, 2. Last evaluated: 2022-09-23. Review status: criteria provided, single submitter. Criteria: ACMG Guidelines, 2015. Collection method: clinical testing. Allele origin: germline. Inheritance: Autosomal dominant inheritance.
Comment: The variant c.3399T>C, p.(His1133=) is not reported in HGMD 2022.2, gnomAD (v2.1.1), dbSNP (v155) or LOVD (we submitted there) so far. The variant shows a weakly conserved nucleotide and splice prediction shows marginal changes on natural and cryptic splice sites by GeneSplicer and no changes in scores by SSF, MaxEnt and NNSPLICE. In summary, the variant should currently be classified as uncertain significance. ACMG: PM2, BP7

NM_000393.5(COL5A2):c.3399T>C (p.His1133=)

Gene: COL5A2 (collagen type V alpha 2 chain; minus strand). Cytogenetic location: 2q32.2.
Variant type: single nucleotide variant.
Coding change: c.3399T>C on transcript NM_000393.5 (MANE Select); coding-DNA position 3399, T replaced by C.
Protein change: p.His1133=; no amino-acid change (histidine 1133 retained).
Molecular consequence: synonymous variant.
Genome position (GRCh38, 1-based): chr2:189,043,223, A>G on the plus strand (T>C on the coding strand, the complement: COL5A2 is on the minus strand). VCF-style: chr2-189043223-A-G. GRCh37 (hg19) VCF-style: chr2-189907949-A-G.
Identifiers: ClinVar variation 1707604 (VCV001707604.2), dbSNP rs1685596107, ClinGen allele CA430320891.